The following is an entry in ClinVar:

NM_007259.5(VPS45):c.299A>G (p.Asn100Ser)

Gene: VPS45 (vacuolar protein sorting 45 homolog; plus strand). Cytogenetic location: 1q21.2.
Variant type: single nucleotide variant.
Coding change: c.299A>G on transcript NM_007259.5 (MANE Select); coding-DNA position 299, A replaced by G.
Protein change: p.Asn100Ser; replaces asparagine 100 with serine.
Molecular consequence: missense variant. On other transcripts: non-coding transcript variant (1).
Genome position (GRCh38, 1-based): chr1:150,076,242, A>G. VCF-style: chr1-150076242-A-G. GRCh37 (hg19) VCF-style: chr1-150048320-A-G.
Other names: c.191A>G, p.Asn64Ser (NM_001279353.2, NM_001279354.2); short protein forms N100S, N64S.
Identifiers: ClinVar variation 541271 (VCV000541271.9), dbSNP rs139341274, ClinGen allele CA1073105.

ClinVar aggregate classification (germline): Uncertain significance. Review status: criteria provided, single submitter (1 of 4 stars). 2 submissions from 2 submitters: Uncertain significance (1). 1 of the submissions does not count toward it. Last evaluated 2021-08-31.

Conditions:
Congenital neutropenia-myelofibrosis-nephromegaly syndrome. Also called: Severe congenital neutropenia 5, autosomal recessive. Identifiers: Orphanet 369852, MedGen C3809031, MONDO:0014118, OMIM 615285.

Allele frequency attached by ClinVar (database versions not stated): TOPMed below 0.00001; gnomAD exomes 0.00001; ExAC 0.00002; ESP Exome Variant Server 0.00008.
gnomAD v4.1: 12 of 1,603,688 alleles (0.00075%); highest among the groups gnomAD compares: Non-Finnish European, 0.001%; no homozygotes.

Submissions (2):

Labcorp Genetics (formerly Invitae), Labcorp
Classification: Uncertain significance for Congenital neutropenia-myelofibrosis-nephromegaly syndrome. Last evaluated: 2021-08-31. Review status: criteria provided, single submitter. Criteria: Invitae Variant Classification Sherloc (09022015). Collection method: clinical testing. Allele origin: germline.
Comment: This sequence change replaces asparagine with serine at codon 100 of the VPS45 protein (p.Asn100Ser). The asparagine residue is highly conserved and there is a small physicochemical difference between asparagine and serine. This variant is present in population databases (rs139341274, ExAC 0.003%). This variant has not been reported in the literature in individuals affected with VPS45-related conditions. Algorithms developed to predict the effect of missense changes on protein structure and function (SIFT, PolyPhen-2, Align-GVGD) all suggest that this variant is likely to be disruptive. In summary, the available evidence is currently insufficient to determine the role of this variant in disease. Therefore, it has been classified as a Variant of Uncertain Significance.

Natera, Inc.
Classification: Uncertain significance for Autosomal recessive severe congenital neutropenia 5. Last evaluated: 2021-06-10. Review status: no assertion criteria provided. Collection method: clinical testing. Allele origin: germline. Not counted in ClinVar's aggregate classification.